The following is an entry in ClinVar:

NM_022166.4(XYLT1):c.425C>T (p.Pro142Leu)

Genes: XYLT1 (xylosyltransferase 1; minus strand), LOC130058566 (ATAC-STARR-seq lymphoblastoid active region 10505; plus strand). Cytogenetic location: 16p12.3.
Variant type: single nucleotide variant.
Coding change: c.425C>T on transcript NM_022166.4 (MANE Select); coding-DNA position 425, C replaced by T.
Protein change: p.Pro142Leu; replaces proline 142 with leucine.
Molecular consequence: missense variant.
Genome position (GRCh38, 1-based): chr16:17,259,476, G>A on the plus strand (C>T on the coding strand, the complement: XYLT1 is on the minus strand). VCF-style: chr16-17259476-G-A. GRCh37 (hg19) VCF-style: chr16-17353333-G-A.
Other names: c.425C>T (NM_022166.3); short protein forms P142L.
Identifiers: ClinVar variation 1394442 (VCV001394442.18), dbSNP rs143159780, ClinGen allele CA7928197.

ClinVar aggregate classification (germline): Conflicting classifications of pathogenicity. Review status: criteria provided, conflicting classifications (1 of 4 stars). 3 submissions from 3 submitters: Uncertain significance (2); Likely benign (1). Last evaluated 2024-09-01.

Conditions:
Desbuquois dysplasia 1 (DBQD1). Also called: MICROMELIC DWARFISM WITH VERTEBRAL AND METAPHYSEAL ABNORMALITIES AND ADVANCED CARPOTARSAL OSSIFICATION; DESBUQUOIS DYSPLASIA 1, KIM VARIANT. Identifiers: Orphanet 1425, MedGen C4012146, MONDO:0009629, OMIM 251450.
Inborn genetic diseases. Identifiers: MedGen C0950123, MeSH D030342.

Allele frequency attached by ClinVar (database versions not stated): gnomAD exomes 0.00005 and 0.00010; ExAC 0.00012; gnomAD 0.00042 and 0.00043; ESP Exome Variant Server 0.00054; 1000 Genomes Project 0.00060; 1000 Genomes Project 30x 0.00094.
gnomAD v4.1: 140 of 1,608,980 alleles (0.0087%); highest among the groups gnomAD compares: African/African-American, 0.13%; 2 homozygotes.

Submissions (3):

CeGaT Center for Human Genetics Tuebingen
Classification: Likely benign. Last evaluated: 2024-09-01. Review status: criteria provided, single submitter. Criteria: CeGaT Center For Human Genetics Tuebingen Variant Classification Criteria Version 2. Collection method: clinical testing. Allele origin: germline. Affected: yes. Observed: 1 variant allele.
Comment: XYLT1: BS1

Ambry Genetics
Classification: Uncertain significance for Inborn genetic diseases. Last evaluated: 2024-05-06. Review status: criteria provided, single submitter. Criteria: Ambry Variant Classification Scheme 2023. Collection method: clinical testing. Allele origin: germline.

Labcorp Genetics (formerly Invitae), Labcorp
Classification: Uncertain significance for Desbuquois dysplasia 1. Last evaluated: 2022-08-15. Review status: criteria provided, single submitter. Criteria: Invitae Variant Classification Sherloc (09022015). Collection method: clinical testing. Allele origin: germline.
Comment: This sequence change replaces proline, which is neutral and non-polar, with leucine, which is neutral and non-polar, at codon 142 of the XYLT1 protein (p.Pro142Leu). This variant is present in population databases (rs143159780, gnomAD 0.1%), including at least one homozygous and/or hemizygous individual. This variant has not been reported in the literature in individuals affected with XYLT1-related conditions. ClinVar contains an entry for this variant (Variation ID: 1394442). Algorithms developed to predict the effect of missense changes on protein structure and function are either unavailable or do not agree on the potential impact of this missense change (SIFT: "Deleterious"; PolyPhen-2: "Probably Damaging"; Align-GVGD: "Class C0"). In summary, the available evidence is currently insufficient to determine the role of this variant in disease. Therefore, it has been classified as a Variant of Uncertain Significance.